The following is an entry in ClinVar:

ClinVar aggregate classification (germline): Likely pathogenic (1 of 4 stars; one submission).

Conditions:
Cerebral visual impairment and intellectual disability.

Allele frequency attached by ClinVar (database versions not stated): gnomAD exomes below 0.00001; ExAC 0.00001.
gnomAD v4.1: 1 of 1,614,244 alleles (0.000062%); highest among the groups gnomAD compares: Non-Finnish European, 0.000085%; no homozygotes.

Submission:

Lupski Lab, Baylor-Hopkins CMG, Baylor College of Medicine
Classification: Likely pathogenic for Cerebral visual impairment and intellectual disability. Last evaluated: 2015-09-09. Review status: criteria provided, single submitter. Criteria: Bosch et al. (EJHG 2015). Collection method: research. Allele origin: de novo. Affected: yes. Observed: 1 variant allele, 1 heterozygote.
Comment: This study shows that diverse genetic causes underlie CVI.

NM_004170.6(SLC1A1):c.1264G>A (p.Val422Met)

Gene: SLC1A1 (solute carrier family 1 member 1; plus strand). Cytogenetic location: 9p24.2.
Variant type: single nucleotide variant.
Coding change: c.1264G>A on transcript NM_004170.6 (MANE Select); coding-DNA position 1264, G replaced by A.
Protein change: p.Val422Met; replaces valine 422 with methionine.
Molecular consequence: missense variant.
Genome position (GRCh38, 1-based): chr9:4,583,108, G>A. VCF-style: chr9-4583108-G-A. GRCh37 (hg19) VCF-style: chr9-4583108-G-A.
Other names: short protein forms V422M.
Identifiers: ClinVar variation 224823 (VCV000224823.2), dbSNP rs755579388, ClinGen allele CA357896.